The following is an entry in ClinVar:

ClinVar aggregate classification (germline): Uncertain significance. Review status: criteria provided, multiple submitters, no conflicts (2 of 4 stars). 2 submissions from 2 submitters: Uncertain significance (2). Last evaluated 2025-05-28.

Conditions:
Hennekam lymphangiectasia-lymphedema syndrome 2 (HKLLS2). Identifiers: Orphanet 2136, MedGen C4014939, MONDO:0014454, OMIM 616006.
Van Maldergem syndrome 2 (VMLDS2). Identifiers: Orphanet 314679, MedGen C3809875, MONDO:0014242, OMIM 615546.

Allele frequency attached by ClinVar (database versions not stated): gnomAD 0.00001; gnomAD exomes 0.00001; ExAC 0.00002; ESP Exome Variant Server 0.00008.
gnomAD v4.1: 18 of 1,613,894 alleles (0.0011%); highest among the groups gnomAD compares: Non-Finnish European, 0.0014%; no homozygotes.

Submissions (2):

Labcorp Genetics (formerly Invitae), Labcorp
Classification: Uncertain significance. Last evaluated: 2025-05-28. Review status: criteria provided, single submitter. Criteria: Invitae Variant Classification Sherloc (09022015). Collection method: clinical testing. Allele origin: germline.
Comment: This sequence change replaces asparagine, which is neutral and polar, with serine, which is neutral and polar, at codon 3622 of the FAT4 protein (p.Asn3622Ser). This variant is present in population databases (rs370644806, gnomAD 0.004%). This variant has not been reported in the literature in individuals affected with FAT4-related conditions. ClinVar contains an entry for this variant (Variation ID: 1918829). Invitae Evidence Modeling of protein sequence and biophysical properties (such as structural, functional, and spatial information, amino acid conservation, physicochemical variation, residue mobility, and thermodynamic stability) indicates that this missense variant is not expected to disrupt FAT4 protein function with a negative predictive value of 95%. In summary, the available evidence is currently insufficient to determine the role of this variant in disease. Therefore, it has been classified as a Variant of Uncertain Significance.

Fulgent Genetics
Classification: Uncertain significance for Van Maldergem syndrome 2; Hennekam lymphangiectasia-lymphedema syndrome 2. Last evaluated: 2024-05-23. Review status: criteria provided, single submitter. Criteria: ACMG Guidelines, 2015. Collection method: clinical testing. Allele origin: germline.

NM_001291303.3(FAT4):c.10871A>G (p.Asn3624Ser)

Gene: FAT4 (FAT atypical cadherin 4; plus strand). Cytogenetic location: 4q28.1.
Variant type: single nucleotide variant.
Coding change: c.10871A>G on transcript NM_001291303.3 (MANE Select); coding-DNA position 10871, A replaced by G.
Protein change: p.Asn3624Ser; replaces asparagine 3624 with serine.
Molecular consequence: missense variant.
Genome position (GRCh38, 1-based): chr4:125,451,881, A>G. VCF-style: chr4-125451881-A-G. GRCh37 (hg19) VCF-style: chr4-126373036-A-G.
Other names: c.10871A>G, p.Asn3624Ser (NM_001291285.3); c.10865A>G, p.Asn3622Ser (NM_024582.6); c.10865A>G (NM_024582.5); short protein forms N3622S, N3624S.
Identifiers: ClinVar variation 1918829 (VCV001918829.5), dbSNP rs370644806, ClinGen allele CA3073754.